The following is an entry in ClinVar:

ClinVar aggregate classification (germline): Uncertain significance. Review status: criteria provided, multiple submitters, no conflicts (2 of 4 stars). 2 submissions from 2 submitters: Uncertain significance (2). Last evaluated 2021-08-19.

Conditions:
Megacystis-microcolon-intestinal hypoperistalsis syndrome 1. Identifiers: MedGen C5542316, MONDO:0100354, OMIM 249210.
Aortic aneurysm, familial thoracic 7 (AAT7). Also called: AORTIC DISSECTION, FAMILIAL, WITH OR WITHOUT AORTIC ANEURYSM. Identifiers: MedGen C3151077, MONDO:0013418, OMIM 613780.

Allele frequency attached by ClinVar (database versions not stated): gnomAD exomes 0.00004; TOPMed 0.00007; gnomAD 0.00011.
gnomAD v4.1: 32 of 604,688 alleles (0.0053%); highest among the groups gnomAD compares: Non-Finnish European, 0.0071%; no homozygotes.

Submissions (2):

Fulgent Genetics
Classification: Uncertain significance for Megacystis-microcolon-intestinal hypoperistalsis syndrome 1; Aortic aneurysm, familial thoracic 7. Last evaluated: 2021-08-19. Review status: criteria provided, single submitter. Criteria: ACMG Guidelines, 2015. Collection method: clinical testing. Allele origin: unknown.

GeneDx
Classification: Uncertain significance. Last evaluated: 2016-11-18. Review status: criteria provided, single submitter. Criteria: GeneDx Variant Classification (06012015). Collection method: clinical testing. Allele origin: germline. Affected: yes.
Comment: A variant of uncertain significance has been identified in the 5' untranslated region of the MYLK gene. The c.-4 G>A variant has not been published as a pathogenic variant, nor has it been reported as a benign variant to our knowledge. Data from control individuals is not available to assess whether c.-4 G>A may be a common benign variant in the general population. This single nucleotide substitution is located in the last position of exon 3, a non-coding exon, and occurs within the Kozak consensus sequence. In silico splice algorithms predict this variant may weaken the intron 3 splice donor site. Due to its location within the Kozak sequence, it also may affect initiation of protein translation. Nevertheless, this variant occurs at a position that is not conserved through species, and adenosine (A) is wild type at this nucleotide position in at least one mammalian species. Moreover, no regulatory or splice variants in the MYLK gene have been reported in HGMD in association with aortopathy (Stenson et al., 2014), and haploinsufficiency is not a well-established disease mechanism for the MYLK gene.

NM_053025.4(MYLK):c.-4G>A

Gene: MYLK (myosin light chain kinase; minus strand). Cytogenetic location: 3q21.1.
Variant type: single nucleotide variant.
Coding change: c.-4G>A on transcript NM_053025.4 (MANE Select); 4 bases upstream of the start codon, G replaced by A.
Molecular consequence: 5 prime UTR variant.
Genome position (GRCh38, 1-based): chr3:123,831,548, C>T on the plus strand (G>A on the coding strand, the complement: MYLK is on the minus strand). VCF-style: chr3-123831548-C-T. GRCh37 (hg19) VCF-style: chr3-123550395-C-T.
Other names: c.-324G>A (NM_001321309.2); c.-4G>A (NM_053026.4, NM_053027.4, NM_053028.4).
Identifiers: ClinVar variation 373257 (VCV000373257.2), dbSNP rs989215521, ClinGen allele CA16042491.